The following is an entry in ClinVar:

NM_001429.4(EP300):c.5645G>A (p.Ser1882Asn)

Gene: EP300 (EP300 lysine acetyltransferase; plus strand). Cytogenetic location: 22q13.2.
Variant type: single nucleotide variant.
Coding change: c.5645G>A on transcript NM_001429.4 (MANE Select); coding-DNA position 5645, G replaced by A.
Protein change: p.Ser1882Asn; replaces serine 1882 with asparagine.
Molecular consequence: missense variant.
Genome position (GRCh38, 1-based): chr22:41,177,356, G>A. VCF-style: chr22-41177356-G-A. GRCh37 (hg19) VCF-style: chr22-41573360-G-A.
Other names: c.5567G>A, p.Ser1856Asn (NM_001362843.2); short protein forms S1856N, S1882N.
Identifiers: ClinVar variation 4988797 (VCV004988797.1).

ClinVar aggregate classification (germline): Uncertain significance (1 of 4 stars; one submission).

Conditions:
EP300-related disorder. Also called: EP300-related condition; EP300-related disorders.

gnomAD v4.1: 18 of 1,613,718 alleles (0.0011%); highest among the groups gnomAD compares: Non-Finnish European, 0.0015%; no homozygotes.

Submission:

PreventionGenetics, part of Exact Sciences
Classification: Uncertain significance for EP300-related condition. Last evaluated: 2026-02-17. Review status: criteria provided, single submitter. Criteria: ACMG Guidelines, 2015. Collection method: clinical testing. Allele origin: germline.
Comment: The EP300 c.5645G>A variant is predicted to result in the amino acid substitution p.Ser1882Asn. To our knowledge, this variant has not been reported in the literature. This variant is reported in 0.0035% of alleles in individuals of European (Non-Finnish) descent in gnomAD. At this time, the clinical significance of this variant is uncertain due to the absence of conclusive functional and genetic evidence.